The following is an entry in ClinVar:

ClinVar aggregate classification (germline): Benign/Likely benign. Review status: criteria provided, multiple submitters, no conflicts (2 of 4 stars). 6 submissions from 6 submitters: Benign (1); Likely benign (4). 1 of the submissions does not count toward it. Last evaluated 2026-05-14.

Conditions:
NF1-related disorder. Also called: NF1-related condition. Identifiers: MedGen CN379171.
Hereditary cancer-predisposing syndrome. Also called: Tumor predisposition; Neoplastic Syndromes, Hereditary; Hereditary neoplastic syndrome; Hereditary Cancer Syndrome. Identifiers: Orphanet 140162, MedGen C0027672, MeSH D009386, MONDO:0015356.
Neurofibromatosis, type 1 (NF1). Also called: NEUROFIBROMATOSIS, TYPE I, SOMATIC; Peripheral type neurofibromatosis; VON RECKLINGHAUSEN DISEASE; Neurofibromatosis, type I. Identifiers: Orphanet 636, MedGen C0027831, MONDO:0018975, OMIM 162200. Disease mechanism: loss of function.

Allele frequency attached by ClinVar (database versions not stated): gnomAD exomes below 0.00001.
gnomAD v4.1: 2 of 1,614,102 alleles (0.00012%); highest among the groups gnomAD compares: Non-Finnish European, 0.00017%; no homozygotes.

Submissions (6):

Myriad Genetics, Inc.
Classification: Benign for Neurofibromatosis, type 1. Last evaluated: 2026-05-14. Review status: criteria provided, single submitter. Criteria: Myriad Autosomal Dominant, Autosomal Recessive and X-Linked Classification Criteria (2023). Collection method: clinical testing. Allele origin: unknown.
Comment: This variant is considered benign. This variant is a silent/synonymous amino acid change and it is not expected to impact splicing.

Labcorp Genetics (formerly Invitae), Labcorp
Classification: Likely benign for Neurofibromatosis, type 1. Last evaluated: 2026-01-19. Review status: criteria provided, single submitter. Criteria: Invitae Variant Classification Sherloc (09022015). Collection method: clinical testing. Allele origin: germline.

Blueprint Genetics
Classification: Likely benign. Last evaluated: 2024-11-21. Review status: criteria provided, single submitter. Criteria: ACMG Guidelines, 2015. Collection method: clinical testing. Allele origin: germline.

Genome-Nilou Lab
Classification: Likely benign for Neurofibromatosis, type 1. Last evaluated: 2022-03-15. Review status: criteria provided, single submitter. Criteria: ACMG Guidelines, 2015. Collection method: clinical testing. Allele origin: germline. Affected: no.

Ambry Genetics
Classification: Likely benign for Hereditary cancer-predisposing syndrome. Last evaluated: 2014-11-02. Review status: criteria provided, single submitter. Criteria: Ambry Autosomal Dominant and X-Linked criteria (10/2015). Collection method: clinical testing. Allele origin: germline. Observed: 1 variant allele.

PreventionGenetics, part of Exact Sciences
Classification: Likely benign for NF1-related condition. Last evaluated: 2024-02-20. Review status: no assertion criteria provided. Collection method: clinical testing. Allele origin: germline. Not counted in ClinVar's aggregate classification.
Comment: This variant is classified as likely benign based on ACMG/AMP sequence variant interpretation guidelines (Richards et al. 2015 PMID: 25741868, with internal and published modifications).

NM_001042492.3(NF1):c.942G>A (p.Arg314=)

Gene: NF1 (neurofibromin 1; plus strand). Cytogenetic location: 17q11.2.
Variant type: single nucleotide variant.
Coding change: c.942G>A on transcript NM_001042492.3 (MANE Select); coding-DNA position 942, G replaced by A.
Protein change: p.Arg314=; no amino-acid change (arginine 314 retained).
Molecular consequence: synonymous variant.
Genome position (GRCh38, 1-based): chr17:31,200,475, G>A. VCF-style: chr17-31200475-G-A. GRCh37 (hg19) VCF-style: chr17-29527493-G-A.
Other names: c.942G>A, p.Arg314= (NM_000267.4, NM_001128147.3).
Identifiers: ClinVar variation 187066 (VCV000187066.17), dbSNP rs786203445, ClinGen allele CA196646.
Genomic context (GRCh38, chr17:31,200,475, plus strand): 5'-TCTGTAGAAGTTATTTCTGGACAGTCTACGAAAAGCTCTTGCTGGCCATGGAGGAAGTAG[G>A]CAGCTGACAGAAAGTGCTGCAATTGCCTGTGTCAAACTGTGTAAAGCAAGTACTTACATC-3'
Protein context (NP_001035957.1, residues 304-324): RKALAGHGGS[Arg314=]QLTESAAIAC